The following is an entry in ClinVar:

NM_000257.4(MYH7):c.686C>A (p.Ala229Asp)

Gene: MYH7 (myosin heavy chain 7; minus strand). Cytogenetic location: 14q11.2.
Variant type: single nucleotide variant.
Coding change: c.686C>A on transcript NM_000257.4 (MANE Select); coding-DNA position 686, C replaced by A.
Protein change: p.Ala229Asp; replaces alanine 229 with aspartic acid.
Molecular consequence: missense variant.
Genome position (GRCh38, 1-based): chr14:23,431,631, G>T on the plus strand (C>A on the coding strand, the complement: MYH7 is on the minus strand). VCF-style: chr14-23431631-G-T. GRCh37 (hg19) VCF-style: chr14-23900840-G-T.
Other names: c.686C>A, p.Ala229Asp (NM_001407004.1); short protein forms A229D.
Identifiers: ClinVar variation 4614642 (VCV004614642.1).

ClinVar aggregate classification (germline): Uncertain significance (1 of 4 stars; one submission).

Conditions:
Cardiovascular phenotype. Identifiers: MedGen CN230736.

Submission:

Ambry Genetics
Classification: Uncertain significance for Cardiovascular phenotype. Last evaluated: 2025-10-01. Review status: criteria provided, single submitter. Criteria: Ambry Variant Classification Scheme 2023. Collection method: clinical testing. Allele origin: germline.
Comment: The p.A229D variant (also known as c.686C>A), located in coding exon 6 of the MYH7 gene, results from a C to A substitution at nucleotide position 686. The alanine at codon 229 is replaced by aspartic acid, an amino acid with dissimilar properties. This amino acid position is highly conserved in available vertebrate species. In addition, this alteration is predicted to be deleterious by in silico analysis. Based on the available evidence, the clinical significance of this variant remains unclear.